The following is an entry in ClinVar:

ClinVar aggregate classification (germline): Pathogenic. Review status: criteria provided, multiple submitters, no conflicts (2 of 4 stars). 5 submissions from 5 submitters: Pathogenic (5). Last evaluated 2026-02-23.

Conditions:
CEP290-related disorder. Also called: CEP290-related condition; CEP290-related disorders. Identifiers: MedGen CN239314.
Leber congenital amaurosis (LCA). Also called: Leber's amaurosis. Identifiers: Orphanet 65, MedGen C0339527, MeSH D057130, MONDO:0018998.
Nephronophthisis. Also called: Juvenile Nephronophthisis. Identifiers: Orphanet 655, MedGen C0687120, MONDO:0019005, HP:0000090.
Meckel-Gruber syndrome. Also called: GRUBER SYNDROME; Dysencephalia splachnocystica; DYSENCEPHALIA SPLANCHNOCYSTICA. Identifiers: Orphanet 564, MedGen C0265215, MONDO:0018921.
Joubert syndrome. Also called: Familial aplasia of the vermis; JOUBERT-BOLTSHAUSER SYNDROME. Identifiers: Orphanet 475, MedGen C5979921, MONDO:0018772.
Bardet-Biedl syndrome 14 (BBS14). Identifiers: Orphanet 110, MedGen C2673874, MONDO:0014442, OMIM 615991.
Joubert syndrome 5 (JBTS5). Identifiers: Orphanet 2318, MedGen C1857780, MONDO:0012432, OMIM 610188.
Senior-Loken syndrome 6 (SLSN6). Identifiers: Orphanet 3156, MedGen C1857779, MONDO:0012433, OMIM 610189.
Meckel syndrome, type 4 (MKS4). Also called: MECKEL-GRUBER SYNDROME, TYPE 4. Identifiers: Orphanet 564, MedGen C1970161, MONDO:0012626, OMIM 611134.
Leber congenital amaurosis 10 (LCA10). Identifiers: Orphanet 65, MedGen C1857821, MONDO:0012723, OMIM 611755.

Submissions (5):

PreventionGenetics, part of Exact Sciences
Classification: Pathogenic for CEP290-related condition. Last evaluated: 2026-02-23. Review status: criteria provided, single submitter. Criteria: ACMG Guidelines, 2015. Collection method: clinical testing. Allele origin: germline.
Comment: The CEP290 c.4864_4865delinsT variant is predicted to result in a frameshift and premature protein termination (p.Arg1622Phefs*9). This variant has been reported in the compound heterozygous state in individuals with Meckel syndrome (Szymanska et al. 2012. PubMed ID: 23351400). This variant has not been reported in a large population database (gnomAD), indicating this variant is rare. Frameshift variants in CEP290 are expected to be pathogenic. This variant is interpreted as pathogenic.

Natera, Inc.
Classification: Pathogenic for Leber congenital amaurosis. Last evaluated: 2025-07-24. Review status: criteria provided, single submitter. Criteria: Natera Variant Classification Schema (03/2026). Collection method: clinical testing. Allele origin: germline.
Comment: The c.4864_4865delCGinsT variant in CEP290 is a frameshift variant predicted to shift the reading frame beginning at codon 1622 and leads to a stop codon 9 codons downstream. This variant is expected to result in nonsense mediated decay, truncation, or a dysfunctional protein product. This variant is rare in the general population with a frequency below the threshold expected for the associated phenotype(s). This variant has been observed in one or more individuals affected with the associated recessive disease, as either homozygous or compound heterozygous with a second variant (PMID: 23351400, 26673778). Additionally, this variant has been observed to segregate in affected family members (PMID: 23351400). Given the available evidence, this variant is classified as Pathogenic.

Fulgent Genetics
Classification: Pathogenic for Joubert syndrome 5; Senior-Loken syndrome 6; Meckel syndrome, type 4; Leber congenital amaurosis 10; Bardet-Biedl syndrome 14. Last evaluated: 2024-04-21. Review status: criteria provided, single submitter. Criteria: ACMG Guidelines, 2015. Collection method: clinical testing. Allele origin: germline.

Baylor Genetics
Classification: Pathogenic for Bardet-Biedl syndrome 14. Last evaluated: 2023-01-28. Review status: criteria provided, single submitter. Criteria: ACMG Guidelines, 2015. Collection method: clinical testing. Allele origin: unknown.

Labcorp Genetics (formerly Invitae), Labcorp
Classification: Pathogenic for Joubert syndrome; Meckel-Gruber syndrome; Nephronophthisis. Last evaluated: 2019-11-11. Review status: criteria provided, single submitter. Criteria: Invitae Variant Classification Sherloc (09022015). Collection method: clinical testing. Allele origin: germline.
Comment: This sequence change creates a premature translational stop signal (p.Arg1622Phefs*9) in the CEP290 gene. It is expected to result in an absent or disrupted protein product. This variant is not present in population databases (ExAC no frequency). This variant has been observed in individual(s) with Meckel-Gruber or Meckel-like syndrome (PMID: 23351400). Loss-of-function variants in CEP290 are known to be pathogenic (PMID: 16909394, 17345604, 20690115, 25377065, 28559085). For these reasons, this variant has been classified as Pathogenic.

Literature cited by the submitters: PubMed 23351400 (cited by Natera, Inc. and Labcorp Genetics (formerly Invitae), Labcorp); PubMed 26673778 (cited by Natera, Inc.).

NM_025114.4(CEP290):c.4864_4865delinsT (p.Arg1622fs)

Gene: CEP290 (centrosomal protein 290; minus strand). Cytogenetic location: 12q21.32.
Variant type: Indel.
Coding change: c.4864_4865delinsT on transcript NM_025114.4 (MANE Select); coding-DNA positions 4864 to 4865, CG replaced by T.
Protein change: p.Arg1622fs; shifts the reading frame from arginine 1622.
Molecular consequence: frameshift variant.
Genome position (GRCh38, 1-based): chr12:88,083,178-88,083,179, CG replaced by A on the plus strand (CG replaced by T on the coding strand, the reverse complement: CEP290 is on the minus strand). VCF-style: chr12-88083178-CG-A. GRCh37 (hg19) VCF-style: chr12-88476955-CG-A.
Other names: c.4864_4865delCGinsT (NM_025114.3); short protein forms R1622fs.
Identifiers: ClinVar variation 970598 (VCV000970598.5), dbSNP rs2036318355, ClinGen allele CA1139662798.